The following is an entry in ClinVar:

NM_000639.3(FASLG):c.116G>A (p.Arg39Lys)

Gene: FASLG (Fas ligand; plus strand). Cytogenetic location: 1q24.3.
Variant type: single nucleotide variant.
Coding change: c.116G>A on transcript NM_000639.3 (MANE Select); coding-DNA position 116, G replaced by A.
Protein change: p.Arg39Lys; replaces arginine 39 with lysine.
Molecular consequence: missense variant.
Genome position (GRCh38, 1-based): chr1:172,659,317, G>A. VCF-style: chr1-172659317-G-A. GRCh37 (hg19) VCF-style: chr1-172628457-G-A.
Other names: c.116G>A, p.Arg39Lys (NM_001302746.2); short protein forms R39K.
Identifiers: ClinVar variation 4727085 (VCV004727085.1).

ClinVar aggregate classification (germline): Uncertain significance (1 of 4 stars; one submission).

Conditions:
Autoimmune lymphoproliferative syndrome type 1. Also called: AUTOIMMUNE LYMPHOPROLIFERATIVE SYNDROME, TYPE I, AUTOSOMAL DOMINANT. Identifiers: Orphanet 3261, MedGen C2717884, MONDO:0011158, OMIM 601859.

Submission:

Labcorp Genetics (formerly Invitae), Labcorp
Classification: Uncertain significance for Autoimmune lymphoproliferative syndrome. Last evaluated: 2025-09-13. Review status: criteria provided, single submitter. Criteria: Invitae Variant Classification Sherloc (09022015). Collection method: clinical testing. Allele origin: germline.
Comment: This sequence change replaces arginine, which is basic and polar, with lysine, which is basic and polar, at codon 39 of the FASLG protein (p.Arg39Lys). This variant is not present in population databases (gnomAD no frequency). This variant has not been reported in the literature in individuals affected with FASLG-related conditions. An algorithm developed to predict the effect of missense changes on protein structure and function (PolyPhen-2) suggests that this variant is likely to be tolerated. In summary, the available evidence is currently insufficient to determine the role of this variant in disease. Therefore, it has been classified as a Variant of Uncertain Significance.